The following is an entry in ClinVar:

ClinVar aggregate classification (germline): Uncertain significance. Review status: criteria provided, multiple submitters, no conflicts (2 of 4 stars). 2 submissions from 2 submitters: Uncertain significance (2). Last evaluated 2025-03-24.

Allele frequency attached by ClinVar (database versions not stated): gnomAD exomes 0.00004; 1000 Genomes Project 30x 0.00062; 1000 Genomes Project 0.00080.
gnomAD v4.1: 68 of 1,614,206 alleles (0.0042%); highest among the groups gnomAD compares: East Asian, 0.15%; no homozygotes.

Submissions (2):

Labcorp Genetics (formerly Invitae), Labcorp
Classification: Uncertain significance. Last evaluated: 2025-03-24. Review status: criteria provided, single submitter. Criteria: Invitae Variant Classification Sherloc (09022015). Collection method: clinical testing. Allele origin: germline.
Comment: This sequence change replaces threonine, which is neutral and polar, with arginine, which is basic and polar, at codon 923 of the DSG1 protein (p.Thr923Arg). This variant is present in population databases (rs148488583, gnomAD 0.2%). This variant has not been reported in the literature in individuals affected with DSG1-related conditions. ClinVar contains an entry for this variant (Variation ID: 1319213). An algorithm developed to predict the effect of missense changes on protein structure and function (PolyPhen-2) suggests that this variant is likely to be disruptive. In summary, the available evidence is currently insufficient to determine the role of this variant in disease. Therefore, it has been classified as a Variant of Uncertain Significance.

Institute for Clinical Genetics, University Hospital TU Dresden, University Hospital TU Dresden
Classification: Uncertain significance. Last evaluated: 2021-11-03. Review status: criteria provided, single submitter. Criteria: ACMG Guidelines, 2015. Collection method: clinical testing. Allele origin: germline.

NM_001942.4(DSG1):c.2768C>G (p.Thr923Arg)

Genes: DSG1 (desmoglein 1; plus strand), DSG1-AS1 (DSG1 antisense RNA 1; minus strand). Cytogenetic location: 18q12.1.
Variant type: single nucleotide variant.
Coding change: c.2768C>G on transcript NM_001942.4 (MANE Select); coding-DNA position 2768, C replaced by G.
Protein change: p.Thr923Arg; replaces threonine 923 with arginine.
Molecular consequence: missense variant.
Genome position (GRCh38, 1-based): chr18:31,354,964, C>G. VCF-style: chr18-31354964-C-G. GRCh37 (hg19) VCF-style: chr18-28934927-C-G.
Other names: short protein forms T923R.
Identifiers: ClinVar variation 1319213 (VCV001319213.6), dbSNP rs148488583, ClinGen allele CA8926439.